The following is an entry in ClinVar:

NM_006231.4(POLE):c.3262C>T (p.Pro1088Ser)

Gene: POLE (DNA polymerase epsilon, catalytic subunit; minus strand). Cytogenetic location: 12q24.33.
Variant type: single nucleotide variant.
Coding change: c.3262C>T on transcript NM_006231.4 (MANE Select); coding-DNA position 3262, C replaced by T.
Protein change: p.Pro1088Ser; replaces proline 1088 with serine.
Molecular consequence: missense variant.
Genome position (GRCh38, 1-based): chr12:132,659,308, G>A on the plus strand (C>T on the coding strand, the complement: POLE is on the minus strand). VCF-style: chr12-132659308-G-A. GRCh37 (hg19) VCF-style: chr12-133235894-G-A.
Other names: c.3262C>T (NM_006231.2); short protein forms P1088S.
Identifiers: ClinVar variation 2820985 (VCV002820985.4), dbSNP rs957043409, ClinGen allele CA387390257.

ClinVar aggregate classification (germline): Uncertain significance. Review status: criteria provided, multiple submitters, no conflicts (2 of 4 stars). 2 submissions from 2 submitters: Uncertain significance (2). Last evaluated 2026-06-28.

Conditions:
Hereditary cancer-predisposing syndrome. Also called: Hereditary Cancer Syndrome; Hereditary neoplastic syndrome; Neoplastic Syndromes, Hereditary; Tumor predisposition. Identifiers: Orphanet 140162, MedGen C0027672, MeSH D009386, MONDO:0015356.

Allele frequency attached by ClinVar (database versions not stated): gnomAD exomes below 0.00001.
gnomAD v4.1: 1 of 1,613,928 alleles (0.000062%); no homozygotes.

Submissions (2):

Ambry Genetics
Classification: Uncertain significance for Hereditary cancer-predisposing syndrome. Last evaluated: 2026-06-28. Review status: criteria provided, single submitter. Criteria: Ambry Variant Classification Scheme 2023. Collection method: clinical testing. Allele origin: germline.
Comment: The p.P1088S variant (also known as c.3262C>T), located in coding exon 26 of the POLE gene, results from a C to T substitution at nucleotide position 3262. The proline at codon 1088 is replaced by serine, an amino acid with similar properties. This amino acid position is conserved. In addition, the in silico prediction for this alteration is inconclusive. Based on the available evidence, the clinical significance of this variant remains unclear.

Labcorp Genetics (formerly Invitae), Labcorp
Classification: Uncertain significance. Last evaluated: 2023-09-10. Review status: criteria provided, single submitter. Criteria: Invitae Variant Classification Sherloc (09022015). Collection method: clinical testing. Allele origin: germline.
Comment: In summary, the available evidence is currently insufficient to determine the role of this variant in disease. Therefore, it has been classified as a Variant of Uncertain Significance. Advanced modeling of protein sequence and biophysical properties (such as structural, functional, and spatial information, amino acid conservation, physicochemical variation, residue mobility, and thermodynamic stability) performed at Invitae indicates that this missense variant is not expected to disrupt POLE protein function. This variant has not been reported in the literature in individuals affected with POLE-related conditions. This variant is not present in population databases (gnomAD no frequency). This sequence change replaces proline, which is neutral and non-polar, with serine, which is neutral and polar, at codon 1088 of the POLE protein (p.Pro1088Ser).